The following is an entry in ClinVar:

NM_002519.3(NPAT):c.1222C>T (p.Leu408Phe)

Gene: NPAT (nuclear protein, coactivator of histone transcription; minus strand). Cytogenetic location: 11q22.3.
Variant type: single nucleotide variant.
Coding change: c.1222C>T on transcript NM_002519.3 (MANE Select); coding-DNA position 1222, C replaced by T.
Protein change: p.Leu408Phe; replaces leucine 408 with phenylalanine.
Molecular consequence: missense variant.
Genome position (GRCh38, 1-based): chr11:108,173,762, G>A on the plus strand (C>T on the coding strand, the complement: NPAT is on the minus strand). VCF-style: chr11-108173762-G-A. GRCh37 (hg19) VCF-style: chr11-108044489-G-A.
Other names: c.1222C>T, p.Leu408Phe (NM_001321307.1); short protein forms L408F.
Identifiers: ClinVar variation 3300704 (VCV003300704.1).
Genomic context (GRCh38, chr11:108,173,762, plus strand): 5'-AGGCCTTTTTCTGTATGCTGGTACTTATTTGGGAAAAATTTTCCTGGTCTTCTTGTCTAA[G>A]CACATCATGGTTGTTGCTATTCTTCAAAGCATTTAATGGGTCATCATTCTGATAGGATGT-3'
Protein context (NP_002510.2, residues 398-418): ALKNSNNHDV[Leu408Phe]RQEDQENFSQ

ClinVar aggregate classification (germline): Uncertain significance (1 of 4 stars; one submission).

Submission:

Ambry Genetics
Classification: Uncertain significance. Last evaluated: 2024-05-31. Review status: criteria provided, single submitter. Criteria: Ambry Variant Classification Scheme 2023. Collection method: clinical testing. Allele origin: germline.
Comment: The p.L408F variant (also known as c.1222C>T), located in coding exon 13 of the NPAT gene, results from a C to T substitution at nucleotide position 1222. The leucine at codon 408 is replaced by phenylalanine, an amino acid with highly similar properties. This amino acid position is conserved. In addition, this alteration is predicted to be tolerated by in silico analysis. Based on the available evidence, the clinical significance of this variant remains unclear.